The following is an entry in ClinVar:

ClinVar aggregate classification (germline): Uncertain significance (1 of 4 stars; one submission).

Submission:

Labcorp Genetics (formerly Invitae), Labcorp
Classification: Uncertain significance. Last evaluated: 2025-06-12. Review status: criteria provided, single submitter. Criteria: Invitae Variant Classification Sherloc (09022015). Collection method: clinical testing. Allele origin: germline.
Comment: This sequence change replaces glutamine, which is neutral and polar, with histidine, which is basic and polar, at codon 101 of the LAMA5 protein (p.Gln101His). This variant is not present in population databases (gnomAD no frequency). This variant has not been reported in the literature in individuals affected with LAMA5-related conditions. An algorithm developed to predict the effect of missense changes on protein structure and function (PolyPhen-2) suggests that this variant is likely to be disruptive. In summary, the available evidence is currently insufficient to determine the role of this variant in disease. Therefore, it has been classified as a Variant of Uncertain Significance.

NM_005560.6(LAMA5):c.303G>C (p.Gln101His)

Gene: LAMA5 (laminin subunit alpha 5; minus strand). Cytogenetic location: 20q13.33.
Variant type: single nucleotide variant.
Coding change: c.303G>C on transcript NM_005560.6 (MANE Select); coding-DNA position 303, G replaced by C.
Protein change: p.Gln101His; replaces glutamine 101 with histidine.
Molecular consequence: missense variant.
Genome position (GRCh38, 1-based): chr20:62,362,547, C>G on the plus strand (G>C on the coding strand, the complement: LAMA5 is on the minus strand). VCF-style: chr20-62362547-C-G. GRCh37 (hg19) VCF-style: chr20-60937603-C-G.
Other names: short protein forms Q101H.
Identifiers: ClinVar variation 4723585 (VCV004723585.1).